The following is an entry in ClinVar:

ClinVar aggregate classification (germline): Pathogenic. Review status: criteria provided, multiple submitters, no conflicts (2 of 4 stars). 2 submissions from 2 submitters: Pathogenic (2). Last evaluated 2023-06-06.

Conditions:
PKD1-related disorder. Also called: PKD1-related condition.

Submissions (2):

GeneDx
Classification: Pathogenic. Last evaluated: 2023-06-06. Review status: criteria provided, single submitter. Criteria: GeneDx Variant Classification Process June 2021. Collection method: clinical testing. Allele origin: germline. Affected: yes.
Comment: Frameshift variant predicted to result in protein truncation or nonsense mediated decay in a gene for which loss of function is a known mechanism of disease; Not observed at significant frequency in large population cohorts (gnomAD); This variant is associated with the following publications: (PMID: 17582161)

Blueprint Genetics
Classification: Pathogenic for PKD1-related disorders. Last evaluated: 2021-10-21. Review status: criteria provided, single submitter. Criteria: ACMG Guidelines, 2015. Collection method: clinical testing. Allele origin: germline. Affected: yes. Observed: 2 variant alleles.

NM_001009944.3(PKD1):c.99del (p.Cys33fs)

Gene: PKD1 (polycystin 1, transient receptor potential channel interacting; minus strand). Cytogenetic location: 16p13.3.
Variant type: Deletion.
Coding change: c.99del on transcript NM_001009944.3 (MANE Select); coding-DNA position 99, one base deleted (C; older notation c.99delC).
Protein change: p.Cys33fs; shifts the reading frame from cysteine 33.
Molecular consequence: frameshift variant.
Genome position (GRCh38, 1-based): chr16:2,135,591, G deleted on the plus strand (C on the coding strand, the reverse complement: PKD1 is on the minus strand). VCF-style (leftmost placement, unchanged base first): chr16-2135590-CG-C. GRCh37 (hg19) VCF-style: chr16-2185591-CG-C.
Other names: c.99del, p.Cys33fs (NM_000296.4); c.99delC, p.Cys33Trpfs (NM_001009944.2); short protein forms C33fs.
Identifiers: ClinVar variation 3253575 (VCV003253575.2), dbSNP rs2544960516.
Genomic context (GRCh38, chr16:2,135,590, plus strand): 5'-GGCCCGAGCAGTTGACGCGGCAGGCGGCGCCGGGCGCTGGGCCGCAGAGGCAGGGGGGCT[CG>C]CAGGGCCCGCAGCCGCGCCCGGGGCCCCCCGCCAGCGCCCCGAGCCACAGGCCCAGGCCC-3'